The following is an entry in ClinVar:

NM_014009.4(FOXP3):c.340C>T (p.Arg114Trp)

Gene: FOXP3 (forkhead box P3; minus strand). Cytogenetic location: Xp11.23.
Variant type: single nucleotide variant.
Coding change: c.340C>T on transcript NM_014009.4 (MANE Select); coding-DNA position 340, C replaced by T.
Protein change: p.Arg114Trp; replaces arginine 114 with tryptophan.
Molecular consequence: missense variant.
Genome position (GRCh38, 1-based): chrX:49,257,541, G>A on the plus strand (C>T on the coding strand, the complement: FOXP3 is on the minus strand). VCF-style: chrX-49257541-G-A. GRCh37 (hg19) VCF-style: chrX-49113998-G-A.
Other names: c.235C>T, p.Arg79Trp (NM_001114377.2); short protein forms R114W, R79W.
Identifiers: ClinVar variation 435256 (VCV000435256.19), dbSNP rs200554980, ClinGen allele CA10411819.

ClinVar aggregate classification (germline): Conflicting classifications of pathogenicity. Review status: criteria provided, conflicting classifications (1 of 4 stars). 4 submissions from 4 submitters: Uncertain significance (1); Benign (2); Likely benign (1). Last evaluated 2026-06-01.

Conditions:
Insulin-dependent diabetes mellitus secretory diarrhea syndrome (IPEX). Also called: Immunodeficiency, Polyendocrinopathy, and Enteropathy X-Linked Syndrome; X-Linked Syndrome of Polyendocrinopathy, Immune Dysfunction, and Diarrhea; DIABETES MELLITUS, CONGENITAL INSULIN-DEPENDENT, WITH FATAL SECRETORY DIARRHEA; IMMUNODEFICIENCY, POLYENDOCRINOPATHY, AND ENTEROPATHY, X-LINKED; Immunodysregulation, polyendocrinopathy, and enteropathy, X-linked; DIARRHEA, POLYENDOCRINOPATHY, FATAL INFECTION SYNDROME, X-LINKED. Identifiers: Orphanet 37042, MedGen C0342288, MONDO:0010580, OMIM 304790. Disease mechanism: loss of function.

Allele frequency attached by ClinVar (database versions not stated): TOPMed 0.00014; gnomAD exomes 0.00015 and 0.00026; ESP Exome Variant Server 0.00019; ExAC 0.00020; gnomAD 0.00022 and 0.00023.

Submissions (4):

CeGaT Center for Human Genetics Tuebingen
Classification: Likely benign. Last evaluated: 2026-06-01. Review status: criteria provided, single submitter. Criteria: CeGaT Center For Human Genetics Tuebingen Variant Classification Criteria Version 2. Collection method: clinical testing. Allele origin: germline. Affected: yes. Observed: 1 variant allele.
Comment: FOXP3: BS2

Labcorp Genetics (formerly Invitae), Labcorp
Classification: Benign for Insulin-dependent diabetes mellitus secretory diarrhea syndrome. Last evaluated: 2026-01-19. Review status: criteria provided, single submitter. Criteria: Invitae Variant Classification Sherloc (09022015). Collection method: clinical testing. Allele origin: germline.

Department of Pathology and Laboratory Medicine, Sinai Health System
Classification: Benign for Insulin-dependent diabetes mellitus secretory diarrhea syndrome. Last evaluated: 2020-08-26. Review status: criteria provided, single submitter. Criteria: ACMG Guidelines, 2015. Collection method: research. Allele origin: germline.

Genetic Services Laboratory, University of Chicago
Classification: Uncertain significance. Last evaluated: 2016-02-03. Review status: criteria provided, single submitter. Criteria: ACMG Guidelines, 2015. Collection method: clinical testing. Allele origin: germline. Affected: no.